The following is an entry in ClinVar:

NM_001385012.1(NBEA):c.4996G>A (p.Val1666Ile)

Gene: NBEA (neurobeachin; plus strand). Cytogenetic location: 13q13.3.
Variant type: single nucleotide variant.
Coding change: c.4996G>A on transcript NM_001385012.1 (MANE Select); coding-DNA position 4996, G replaced by A.
Protein change: p.Val1666Ile; replaces valine 1666 with isoleucine.
Molecular consequence: missense variant.
Genome position (GRCh38, 1-based): chr13:35,195,932, G>A. VCF-style: chr13-35195932-G-A. GRCh37 (hg19) VCF-style: chr13-35770069-G-A.
Other names: p.Val1666Ile; c.4996G>A (NM_015678.4); c.4987G>A, p.Val1663Ile (NM_001379245.1); c.4996G>A, p.Val1666Ile (NM_015678.5); short protein forms V1663I, V1666I.
Identifiers: ClinVar variation 2578702 (VCV002578702.29), dbSNP rs201463728, ClinGen allele CA6947006.

ClinVar aggregate classification (germline): Likely benign. Review status: criteria provided, multiple submitters, no conflicts (2 of 4 stars). 5 submissions from 5 submitters: Likely benign (5). Last evaluated 2025-06-11.

Conditions:
Inborn genetic diseases. Identifiers: MedGen C0950123, MeSH D030342.
NBEA-related disorder. Also called: NBEA-related condition.

Allele frequency attached by ClinVar (database versions not stated): 1000 Genomes Project 30x 0.00031; 1000 Genomes Project 0.00040; gnomAD 0.00053; TOPMed 0.00057; ExAC 0.00075; ESP Exome Variant Server 0.00109; gnomAD exomes 0.00118.
gnomAD v4.1: 1,783 of 1,613,418 alleles (0.11%); highest among the groups gnomAD compares: Non-Finnish European, 0.14%; 1 homozygote.

Submissions (5):

Mayo Clinic Laboratories, Mayo Clinic
Classification: Likely benign. Last evaluated: 2025-06-11. Review status: criteria provided, single submitter. Criteria: ACMG Guidelines, 2015. Collection method: clinical testing. Allele origin: germline. Observed: 1 variant allele.
Comment: BS1, BP4_moderate, PP2

PreventionGenetics, part of Exact Sciences
Classification: Likely benign for NBEA-related condition. Last evaluated: 2025-05-12. Review status: criteria provided, single submitter. Criteria: ACMG Guidelines, 2015. Collection method: clinical testing. Allele origin: germline.
Comment: This variant is classified as likely benign based on ACMG/AMP sequence variant interpretation guidelines (Richards et al. 2015 PMID: 25741868, with internal and published modifications).

Ambry Genetics
Classification: Likely benign for Inborn genetic diseases. Last evaluated: 2025-01-18. Review status: criteria provided, single submitter. Criteria: Ambry Variant Classification Scheme 2023. Collection method: clinical testing. Allele origin: germline.

Blueprint Genetics
Classification: Likely benign. Last evaluated: 2024-11-11. Review status: criteria provided, single submitter. Criteria: ACMG Guidelines, 2015. Collection method: clinical testing. Allele origin: germline.

CeGaT Center for Human Genetics Tuebingen
Classification: Likely benign. Last evaluated: 2024-10-01. Review status: criteria provided, single submitter. Criteria: CeGaT Center For Human Genetics Tuebingen Variant Classification Criteria Version 2. Collection method: clinical testing. Allele origin: germline. Affected: yes. Observed: 9 variant alleles.
Comment: NBEA: BP4, BS1